The following is an entry in ClinVar:

NM_014975.3(MAST1):c.2230G>A (p.Gly744Ser)

Genes: MAST1 (microtubule associated serine/threonine kinase 1; plus strand), LOC112543452 (Sharpr-MPRA regulatory region 6054; plus strand). Cytogenetic location: 19p13.13.
Variant type: single nucleotide variant.
Coding change: c.2230G>A on transcript NM_014975.3 (MANE Select); coding-DNA position 2230, G replaced by A.
Protein change: p.Gly744Ser; replaces glycine 744 with serine.
Molecular consequence: missense variant.
Genome position (GRCh38, 1-based): chr19:12,867,564, G>A. VCF-style: chr19-12867564-G-A. GRCh37 (hg19) VCF-style: chr19-12978378-G-A.
Other names: short protein forms G744S.
Identifiers: ClinVar variation 3778254 (VCV003778254.7).

ClinVar aggregate classification (germline): Likely benign (1 of 4 stars; one submission).

gnomAD v4.1: 20 of 1,613,504 alleles (0.0012%); highest among the groups gnomAD compares: Non-Finnish European, 0.0011%; no homozygotes.

Submission:

CeGaT Center for Human Genetics Tuebingen
Classification: Likely benign. Last evaluated: 2025-03-01. Review status: criteria provided, single submitter. Criteria: CeGaT Center For Human Genetics Tuebingen Variant Classification Criteria Version 2. Collection method: clinical testing. Allele origin: germline. Affected: yes. Observed: 1 variant allele.
Comment: MAST1: BP4